The following is an entry in ClinVar:

ClinVar aggregate classification (germline): Uncertain significance. Review status: criteria provided, multiple submitters, no conflicts (2 of 4 stars). 3 submissions from 3 submitters: Uncertain significance (3). Last evaluated 2024-06-07.
ClinVar aggregate classification (oncogenicity): Uncertain significance (1 of 4 stars; one submission).

Conditions:
Hereditary cancer-predisposing syndrome. Also called: Hereditary neoplastic syndrome; Tumor predisposition; Neoplastic Syndromes, Hereditary; Hereditary Cancer Syndrome. Identifiers: Orphanet 140162, MedGen C0027672, MeSH D009386, MONDO:0015356.
Neoplasm. Also called: tumor; Neoplasms; Neoplasm (disease). Identifiers: MedGen C0027651, MeSH D009369, MONDO:0005070, HP:0002664.

Submissions (4):

Center for Genomic Medicine, Rigshospitalet, Copenhagen University Hospital
Classification: Uncertain significance for Neoplasm. Last evaluated: 2025-03-04. Review status: criteria provided, single submitter. Criteria: ClinGen/CGC/VICC Guidelines for Oncogenicity, 2022. Collection method: clinical testing. Allele origin: somatic. Affected: yes.

Ambry Genetics
Classification: Uncertain significance for Hereditary cancer-predisposing syndrome. Last evaluated: 2024-06-07. Review status: criteria provided, single submitter. Criteria: Ambry Variant Classification Scheme 2023. Collection method: clinical testing. Allele origin: germline.
Comment: The p.R1009H variant (also known as c.3026G>A), located in coding exon 20 of the SMARCA4 gene, results from a G to A substitution at nucleotide position 3026. The arginine at codon 1009 is replaced by histidine, an amino acid with highly similar properties. This amino acid position is conserved. In addition, this alteration is predicted to be deleterious by in silico analysis. Based on the available evidence, the clinical significance of this variant remains unclear.

CeGaT Center for Human Genetics Tuebingen
Classification: Uncertain significance. Last evaluated: 2024-04-01. Review status: criteria provided, single submitter. Criteria: CeGaT Center For Human Genetics Tuebingen Variant Classification Criteria Version 2. Collection method: clinical testing. Allele origin: germline. Affected: yes. Observed: 1 variant allele.
Comment: SMARCA4: PM2, PP2, PP3, BP5

GeneDx
Classification: Uncertain significance. Last evaluated: 2022-03-31. Review status: criteria provided, single submitter. Criteria: GeneDx Variant Classification Process June 2021. Collection method: clinical testing. Allele origin: germline. Affected: yes.
Comment: Not observed at significant frequency in large population cohorts (gnomAD); In silico analysis supports that this missense variant has a deleterious effect on protein structure/function; Has not been previously published as pathogenic or benign to our knowledge; This variant is associated with the following publications: (PMID: 24658002)

NM_003072.5(SMARCA4):c.3026G>A (p.Arg1009His)

Gene: SMARCA4 (SWI/SNF related BAF chromatin remodeling complex subunit ATPase 4; plus strand). Cytogenetic location: 19p13.2.
Variant type: single nucleotide variant.
Coding change: c.3026G>A on transcript NM_003072.5 (MANE Select); coding-DNA position 3026, G replaced by A.
Protein change: p.Arg1009His; replaces arginine 1009 with histidine.
Molecular consequence: missense variant. On other transcripts: non-coding transcript variant (1).
Genome position (GRCh38, 1-based): chr19:11,024,383, G>A. VCF-style: chr19-11024383-G-A. GRCh37 (hg19) VCF-style: chr19-11135059-G-A.
Other names: c.3026G>A, p.Arg1009His (NM_001128844.3, NM_001128845.2, NM_001128846.2 and 6 more transcripts); short protein forms R1009H.
Identifiers: ClinVar variation 1707964 (VCV001707964.25), dbSNP rs2146473961, ClinGen allele CA404058979.
Genomic context (GRCh38, chr19:11,024,383, plus strand): 5'-CCCTGCAGGTGGAGTACGTCATCAAGTGCGACATGTCTGCGCTGCAGCGAGTGCTCTACC[G>A]CCACATGCAGGCCAAGGGCGTGCTGCTGACTGATGGCTCCGAGAAGGACAAGAAGGTGGG-3'
Protein context (NP_003063.2, residues 999-1019): DMSALQRVLY[Arg1009His]HMQAKGVLLT